The following is an entry in ClinVar:

NM_014314.4(RIGI):c.2345A>G (p.His782Arg)

Genes: RIGI (RNA sensor RIG-I; minus strand), LOC101060445 (uncharacterized LOC101060445; plus strand). Cytogenetic location: 9p21.1.
Variant type: single nucleotide variant.
Coding change: c.2345A>G on transcript NM_014314.4 (MANE Select); coding-DNA position 2345, A replaced by G.
Protein change: p.His782Arg; replaces histidine 782 with arginine.
Molecular consequence: missense variant.
Genome position (GRCh38, 1-based): chr9:32,459,507, T>C on the plus strand (A>G on the coding strand, the complement: RIGI is on the minus strand). VCF-style: chr9-32459507-T-C. GRCh37 (hg19) VCF-style: chr9-32459505-T-C.
Other names: c.2339A>G, p.His780Arg (NM_001385907.1); c.2174A>G, p.His725Arg (NM_001385909.1); c.1904A>G, p.His635Arg (NM_001385910.1); c.1736A>G, p.His579Arg (NM_001385912.1); c.2330A>G, p.His777Arg (NM_001385913.1); c.1901A>G, p.His634Arg (NM_001385914.1); short protein forms H579R, H725R, H634R, H635R, H777R, H780R, H782R.
Identifiers: ClinVar variation 2191003 (VCV002191003.4), dbSNP rs143722155, ClinGen allele CA5019510.

ClinVar aggregate classification (germline): Uncertain significance (1 of 4 stars; one submission).

Allele frequency attached by ClinVar (database versions not stated): ExAC 0.00001; gnomAD 0.00001; TOPMed 0.00001; ESP Exome Variant Server 0.00008.
gnomAD v4.1: 10 of 1,603,312 alleles (0.00062%); highest among the groups gnomAD compares: Non-Finnish European, 0.00076%; no homozygotes.

Submission:

Labcorp Genetics (formerly Invitae), Labcorp
Classification: Uncertain significance. Last evaluated: 2025-05-17. Review status: criteria provided, single submitter. Criteria: Invitae Variant Classification Sherloc (09022015). Collection method: clinical testing. Allele origin: germline.
Comment: This sequence change replaces histidine, which is basic and polar, with arginine, which is basic and polar, at codon 782 of the DDX58 protein (p.His782Arg). This variant is present in population databases (rs143722155, gnomAD 0.0009%). This variant has not been reported in the literature in individuals affected with DDX58-related conditions. ClinVar contains an entry for this variant (Variation ID: 2191003). Invitae Evidence Modeling of protein sequence and biophysical properties (such as structural, functional, and spatial information, amino acid conservation, physicochemical variation, residue mobility, and thermodynamic stability) indicates that this missense variant is not expected to disrupt DDX58 protein function with a negative predictive value of 80%. In summary, the available evidence is currently insufficient to determine the role of this variant in disease. Therefore, it has been classified as a Variant of Uncertain Significance.